The following is an entry in ClinVar:

ClinVar aggregate classification (germline): Uncertain significance. Review status: criteria provided, multiple submitters, no conflicts (2 of 4 stars). 4 submissions from 4 submitters: Uncertain significance (4). Last evaluated 2026-01-05.

Conditions:
Tuberous sclerosis syndrome (TSC). Also called: Tuberous sclerosis; Tuberous Sclerosis Complex. Identifiers: Orphanet 805, MedGen C0041341, MONDO:0001734.
Tuberous sclerosis 2 (TSC2). Identifiers: Orphanet 805, MedGen C1860707, MONDO:0013199, OMIM 613254.
Hereditary cancer-predisposing syndrome. Also called: Neoplastic Syndromes, Hereditary; Tumor predisposition; Hereditary Cancer Syndrome; Hereditary neoplastic syndrome. Identifiers: Orphanet 140162, MedGen C0027672, MeSH D009386, MONDO:0015356.

Allele frequency attached by ClinVar (database versions not stated): gnomAD exomes below 0.00001.
gnomAD v4.1: 1 of 1,613,356 alleles (0.000062%); highest among the groups gnomAD compares: Non-Finnish European, 0.000085%; no homozygotes.

Submissions (4):

Labcorp Genetics (formerly Invitae), Labcorp
Classification: Uncertain significance for Tuberous sclerosis 2. Last evaluated: 2026-01-05. Review status: criteria provided, single submitter. Criteria: Invitae Variant Classification Sherloc (09022015). Collection method: clinical testing. Allele origin: germline.
Comment: This sequence change replaces proline, which is neutral and non-polar, with serine, which is neutral and polar, at codon 1508 of the TSC2 protein (p.Pro1508Ser). This variant is not present in population databases (gnomAD no frequency). This variant has not been reported in the literature in individuals affected with TSC2-related conditions. ClinVar contains an entry for this variant (Variation ID: 1517946). Invitae Evidence Modeling of protein sequence and biophysical properties (such as structural, functional, and spatial information, amino acid conservation, physicochemical variation, residue mobility, and thermodynamic stability) indicates that this missense variant is not expected to disrupt TSC2 protein function with a negative predictive value of 95%. In summary, the available evidence is currently insufficient to determine the role of this variant in disease. Therefore, it has been classified as a Variant of Uncertain Significance.

Ambry Genetics
Classification: Uncertain significance for Hereditary cancer-predisposing syndrome. Last evaluated: 2025-12-19. Review status: criteria provided, single submitter. Criteria: Ambry Variant Classification Scheme 2023. Collection method: clinical testing. Allele origin: germline.
Comment: The p.P1508S variant (also known as c.4522C>T), located in coding exon 34 of the TSC2 gene, results from a C to T substitution at nucleotide position 4522. The proline at codon 1508 is replaced by serine, an amino acid with similar properties. This amino acid position is conserved. In addition, this alteration is predicted to be deleterious by in silico analysis. Based on the available evidence, the clinical significance of this variant remains unclear.

All of Us Research Program, National Institutes of Health
Classification: Uncertain significance for Tuberous sclerosis syndrome. Last evaluated: 2024-05-30. Review status: criteria provided, single submitter. Criteria: ACMG Guidelines, 2015. Collection method: clinical testing. Allele origin: germline. Inheritance: Autosomal dominant inheritance. Observed: 1 variant allele, 1 heterozygote.
Comment: This missense variant replaces proline with serine at codon 1508 of the TSC2 protein. Computational prediction is inconclusive regarding the impact of this variant on protein structure and function. To our knowledge, functional studies have not been reported for this variant. This variant has not been reported in individuals affected with TSC2-related disorders in the literature. This variant has not been identified in the general population by the Genome Aggregation Database (gnomAD). The available evidence is insufficient to determine the role of this variant in disease conclusively. Therefore, this variant is classified as a Variant of Uncertain Significance.

This study involves interpretation of variants in research participants for the purpose of population health screening. Participant phenotype was not available at the time of variant classification. Additional details can be found in publication PMID: 35346344, PMCID: PMC8962531

GeneDx
Classification: Uncertain significance. Last evaluated: 2023-05-26. Review status: criteria provided, single submitter. Criteria: GeneDx Variant Classification Process June 2021. Collection method: clinical testing. Allele origin: germline. Affected: yes.
Comment: Not observed at significant frequency in large population cohorts (gnomAD); In silico analysis supports that this missense variant has a deleterious effect on protein structure/function; Has not been previously published as pathogenic or benign to our knowledge

NM_000548.5(TSC2):c.4522C>T (p.Pro1508Ser)

Gene: TSC2 (TSC complex subunit 2; plus strand). Cytogenetic location: 16p13.3.
Variant type: single nucleotide variant.
Coding change: c.4522C>T on transcript NM_000548.5 (MANE Select); coding-DNA position 4522, C replaced by T.
Protein change: p.Pro1508Ser; replaces proline 1508 with serine.
Molecular consequence: missense variant.
Genome position (GRCh38, 1-based): chr16:2,084,979, C>T. VCF-style: chr16-2084979-C-T. GRCh37 (hg19) VCF-style: chr16-2134980-C-T.
Other names: c.4522C>T (NM_000548.3); c.4321C>T, p.Pro1441Ser (NM_001077183.3); c.4453C>T, p.Pro1485Ser (NM_001114382.3); c.4213C>T, p.Pro1405Ser (NM_001318827.2); c.4177C>T, p.Pro1393Ser (NM_001318829.2); c.3790C>T, p.Pro1264Ser (NM_001318831.2); c.4354C>T, p.Pro1452Ser (NM_001318832.2); c.4324C>T, p.Pro1442Ser (NM_001363528.2); and 2 more; short protein forms P1441S, P1465S, P1508S, P1393S, P1442S, P1485S, P1264S, P1405S.
Identifiers: ClinVar variation 1517946 (VCV001517946.11), dbSNP rs2090582590, ClinGen allele CA394302795.
Genomic context (GRCh38, chr16:2,084,979, plus strand): 5'-ACCTGGGTGCCCACCATCCCCTCCCTGTGCAGTTTCGTGTTCCTGCAGCTCTACCATTCC[C>T]CCTTCTTTGGCGACGAGTCAAACAAGCCAATCCTGCTGCCCAATGAGGTAGGCGTGGCCT-3'
Protein context (NP_000539.2, residues 1498-1518): SFVFLQLYHS[Pro1508Ser]FFGDESNKPI